The following is an entry in ClinVar:

NM_000719.7(CACNA1C):c.1630G>A (p.Glu544Lys)

Gene: CACNA1C (calcium voltage-gated channel subunit alpha1 C; plus strand). Cytogenetic location: 12p13.33.
Variant type: single nucleotide variant.
Coding change: c.1630G>A on transcript NM_000719.7 (MANE Select); coding-DNA position 1630, G replaced by A.
Protein change: p.Glu544Lys; replaces glutamic acid 544 with lysine.
Molecular consequence: missense variant.
Genome position (GRCh38, 1-based): chr12:2,566,543, G>A. VCF-style: chr12-2566543-G-A. GRCh37 (hg19) VCF-style: chr12-2675709-G-A.
Other names: c.1630G>A, p.Glu544Lys (NM_001129827.2, NM_001129829.2, NM_001129830.3 and 18 more transcripts); c.1621G>A, p.Glu541Lys (NM_001129844.2); short protein forms E541K, E544K.
Identifiers: ClinVar variation 2570816 (VCV002570816.27), dbSNP rs2512773111, ClinGen allele CA383368643.

ClinVar aggregate classification (germline): Uncertain significance (1 of 4 stars; one submission).

Submission:

CeGaT Center for Human Genetics Tuebingen
Classification: Uncertain significance. Last evaluated: 2023-05-01. Review status: criteria provided, single submitter. Criteria: CeGaT Center For Human Genetics Tuebingen Variant Classification Criteria Version 2. Collection method: clinical testing. Allele origin: germline. Affected: yes. Observed: 1 variant allele.
Comment: CACNA1C: PM2, PP2, PP3, PS2:Supporting